The following is an entry in ClinVar:

ClinVar aggregate classification (germline): Conflicting classifications of pathogenicity. Review status: criteria provided, conflicting classifications (1 of 4 stars). 3 submissions from 3 submitters: Uncertain significance (2); Likely benign (1). Last evaluated 2026-03-01.

Allele frequency attached by ClinVar (database versions not stated): gnomAD exomes below 0.00001; TOPMed below 0.00001; gnomAD 0.00001.
gnomAD v4.1: 6 of 1,614,108 alleles (0.00037%); highest among the groups gnomAD compares: Non-Finnish European, 0.00051%; no homozygotes.

Submissions (3):

CeGaT Center for Human Genetics Tuebingen
Classification: Likely benign. Last evaluated: 2026-03-01. Review status: criteria provided, single submitter. Criteria: CeGaT Center For Human Genetics Tuebingen Variant Classification Criteria Version 2. Collection method: clinical testing. Allele origin: germline. Affected: yes. Observed: 1 variant allele.
Comment: ALPL: BP4

GeneDx
Classification: Uncertain significance. Last evaluated: 2024-09-05. Review status: criteria provided, single submitter. Criteria: GeneDx Variant Classification Process June 2021. Collection method: clinical testing. Allele origin: germline. Affected: yes.
Comment: Not observed at significant frequency in large population cohorts (gnomAD); In silico analysis indicates that this missense variant does not alter protein structure/function; Has not been previously published as pathogenic or benign to our knowledge

Revvity Omics, Revvity
Classification: Uncertain significance. Last evaluated: 2020-08-20. Review status: criteria provided, single submitter. Criteria: ACMG Guidelines, 2015. Collection method: clinical testing. Allele origin: germline.

NM_000478.6(ALPL):c.1082A>G (p.Gln361Arg)

Gene: ALPL (alkaline phosphatase, biomineralization associated; plus strand). Cytogenetic location: 1p36.12.
Variant type: single nucleotide variant.
Coding change: c.1082A>G on transcript NM_000478.6 (MANE Select); coding-DNA position 1082, A replaced by G.
Protein change: p.Gln361Arg; replaces glutamine 361 with arginine.
Molecular consequence: missense variant.
Genome position (GRCh38, 1-based): chr1:21,575,817, A>G. VCF-style: chr1-21575817-A-G. GRCh37 (hg19) VCF-style: chr1-21902310-A-G.
Other names: c.917A>G, p.Gln306Arg (NM_001127501.4); c.851A>G, p.Gln284Arg (NM_001177520.3); c.1082A>G, p.Gln361Arg (NM_001369803.2, NM_001369804.2, NM_001369805.2); short protein forms Q284R, Q306R, Q361R.
Identifiers: ClinVar variation 2439006 (VCV002439006.8), dbSNP rs1296355520, ClinGen allele CA338881193.